The following is an entry in ClinVar:

ClinVar aggregate classification (germline): Benign. Review status: criteria provided, multiple submitters, no conflicts (2 of 4 stars). 3 submissions from 3 submitters: Benign (2). 1 of the submissions does not count toward it. Last evaluated 2021-05-05.

Conditions:
ZNF142-related disorder. Also called: ZNF142-related condition.

Allele frequency attached by ClinVar (database versions not stated): ExAC 0.04710; gnomAD 0.06442 and 0.06364; TOPMed 0.06508; 1000 Genomes Project 0.08187; gnomAD exomes 0.03818 and 0.04436; 1000 Genomes Project 30x 0.08136; ESP Exome Variant Server 0.05856.
gnomAD v4.1: 65,203 of 1,601,264 alleles (4.1%); highest among the groups gnomAD compares: African/African-American, 13%; 1,836 homozygotes.

Submissions (3):

GeneDx
Classification: Benign. Last evaluated: 2021-05-05. Review status: criteria provided, single submitter. Criteria: GeneDx Variant Classification Process June 2021. Collection method: clinical testing. Allele origin: germline. Affected: yes.

Breakthrough Genomics
Classification: Benign. Review status: criteria provided, single submitter. Criteria: ACMG Guidelines, 2015. Collection method: not provided. Allele origin: germline. Inheritance: Autosomal recessive inheritance. Affected: yes.

PreventionGenetics, part of Exact Sciences
Classification: Benign for ZNF142-related condition. Last evaluated: 2024-03-14. Review status: no assertion criteria provided. Collection method: clinical testing. Allele origin: germline. Not counted in ClinVar's aggregate classification.
Comment: This variant is classified as benign based on ACMG/AMP sequence variant interpretation guidelines (Richards et al. 2015 PMID: 25741868, with internal and published modifications).

NM_001379659.1(ZNF142):c.4537G>A (p.Ala1513Thr)

Gene: ZNF142 (zinc finger protein 142; minus strand). Cytogenetic location: 2q35.
Variant type: single nucleotide variant.
Coding change: c.4537G>A on transcript NM_001379659.1 (MANE Select); coding-DNA position 4537, G replaced by A.
Protein change: p.Ala1513Thr; replaces alanine 1513 with threonine.
Molecular consequence: missense variant.
Genome position (GRCh38, 1-based): chr2:218,642,579, C>T on the plus strand (G>A on the coding strand, the complement: ZNF142 is on the minus strand). VCF-style: chr2-218642579-C-T. GRCh37 (hg19) VCF-style: chr2-219507302-C-T.
Other names: c.3448G>A, p.Ala1150Thr (NM_001366289.3, NM_001366287.3, NM_001366288.3); c.4537G>A, p.Ala1513Thr (NM_001366290.3, NM_001379660.1, NM_001379661.1); c.3937G>A, p.Ala1313Thr (NM_001366291.3, NM_001379662.1, NM_001105537.5); short protein forms A1150T, A1313T, A1513T.
Identifiers: ClinVar variation 1279127 (VCV001279127.4), dbSNP rs3821033, ClinGen allele CA2108751.